The following is an entry in ClinVar:

ClinVar aggregate classification (germline): Uncertain significance (1 of 4 stars; one submission).

gnomAD v4.1: 3 of 1,211,704 alleles (0.00025%); highest among the groups gnomAD compares: Admixed American, 0.0065%; no homozygotes.

Submission:

Labcorp Genetics (formerly Invitae), Labcorp
Classification: Uncertain significance. Last evaluated: 2024-02-23. Review status: criteria provided, single submitter. Criteria: Invitae Variant Classification Sherloc (09022015). Collection method: clinical testing. Allele origin: germline.
Comment: This sequence change replaces glutamine, which is neutral and polar, with glutamic acid, which is acidic and polar, at codon 487 of the FRMD7 protein (p.Gln487Glu). This variant is present in population databases (no rsID available, gnomAD 0.01%), including at least one homozygous and/or hemizygous individual. This variant has not been reported in the literature in individuals affected with FRMD7-related conditions. ClinVar contains an entry for this variant (Variation ID: 1714204). An algorithm developed to predict the effect of missense changes on protein structure and function (PolyPhen-2) suggests that this variant is likely to be tolerated. In summary, the available evidence is currently insufficient to determine the role of this variant in disease. Therefore, it has been classified as a Variant of Uncertain Significance.

NM_194277.3(FRMD7):c.1459C>G (p.Gln487Glu)

Gene: FRMD7 (FERM domain containing 7; minus strand). Cytogenetic location: Xq26.2.
Variant type: single nucleotide variant.
Coding change: c.1459C>G on transcript NM_194277.3 (MANE Select); coding-DNA position 1459, C replaced by G.
Protein change: p.Gln487Glu; replaces glutamine 487 with glutamic acid.
Molecular consequence: missense variant.
Genome position (GRCh38, 1-based): chrX:132,078,558, G>C on the plus strand (C>G on the coding strand, the complement: FRMD7 is on the minus strand). VCF-style: chrX-132078558-G-C. GRCh37 (hg19) VCF-style: chrX-131212586-G-C.
Other names: c.1414C>G, p.Gln472Glu (NM_001306193.2); short protein forms Q472E, Q487E.
Identifiers: ClinVar variation 1714204 (VCV001714204.5), dbSNP rs1442513249, ClinGen allele CA414679038.